The following is an entry in ClinVar:

ClinVar aggregate classification (germline): Uncertain significance (1 of 4 stars; one submission).

Conditions:
Congenital hyperammonemia, type I. Also called: Carbamoyl-phosphate synthase I deficiency; CPS I DEFICIENCY; Carbamoyl phosphate synthetase I deficiency disease; Carbamoyl phosphate synthetase 1 deficiency; Hyperammonemia due to carbamoyl phosphate synthetase 1 deficiency; CPS 1 deficiency. Identifiers: Orphanet 147, MedGen C4082171, MONDO:0009376, OMIM 237300.

Submission:

Labcorp Genetics (formerly Invitae), Labcorp
Classification: Uncertain significance for Congenital hyperammonemia, type I. Last evaluated: 2022-08-16. Review status: criteria provided, single submitter. Criteria: Invitae Variant Classification Sherloc (09022015). Collection method: clinical testing. Allele origin: germline.
Comment: Algorithms developed to predict the effect of missense changes on protein structure and function are either unavailable or do not agree on the potential impact of this missense change (SIFT: "Deleterious"; PolyPhen-2: "Probably Damaging"; Align-GVGD: "Class C0"). This sequence change replaces leucine, which is neutral and non-polar, with proline, which is neutral and non-polar, at codon 621 of the CPS1 protein (p.Leu621Pro). This variant is not present in population databases (gnomAD no frequency). This variant has not been reported in the literature in individuals affected with CPS1-related conditions. ClinVar contains an entry for this variant (Variation ID: 1510872). In summary, the available evidence is currently insufficient to determine the role of this variant in disease. Therefore, it has been classified as a Variant of Uncertain Significance.

NM_001875.5(CPS1):c.1862T>C (p.Leu621Pro)

Gene: CPS1 (carbamoyl-phosphate synthase 1; plus strand). Cytogenetic location: 2q34.
Variant type: single nucleotide variant.
Coding change: c.1862T>C on transcript NM_001875.5 (MANE Select); coding-DNA position 1862, T replaced by C.
Protein change: p.Leu621Pro; replaces leucine 621 with proline.
Molecular consequence: missense variant. On other transcripts: non-coding transcript variant (2).
Genome position (GRCh38, 1-based): chr2:210,605,127, T>C. VCF-style: chr2-210605127-T-C. GRCh37 (hg19) VCF-style: chr2-211469851-T-C.
Other names: c.1862T>C, p.Leu621Pro (NM_001122633.3, NM_001369257.1); c.1895T>C, p.Leu632Pro (NM_001369256.1); short protein forms L621P, L632P.
Identifiers: ClinVar variation 1510872 (VCV001510872.6), dbSNP rs2105847240, ClinGen allele CA350437776.